The following is an entry in ClinVar:

ClinVar aggregate classification (germline): Benign/Likely benign. Review status: criteria provided, multiple submitters, no conflicts (2 of 4 stars). 4 submissions from 4 submitters: Benign (1); Likely benign (2). 1 of the submissions does not count toward it. Last evaluated 2026-01-10.

Conditions:
ANKRD1-related dilated cardiomyopathy. Identifiers: MedGen CN119551.
ANKRD1-related disorder. Also called: ANKRD1-related condition.

Submissions (4):

Labcorp Genetics (formerly Invitae), Labcorp
Classification: Likely benign for ANKRD1-related dilated cardiomyopathy. Last evaluated: 2026-01-10. Review status: criteria provided, single submitter. Criteria: Invitae Variant Classification Sherloc (09022015). Collection method: clinical testing. Allele origin: germline.

Blueprint Genetics
Classification: Likely benign. Last evaluated: 2024-11-27. Review status: criteria provided, single submitter. Criteria: ACMG Guidelines, 2015. Collection method: clinical testing. Allele origin: germline.

Women's Health and Genetics/Laboratory Corporation of America, LabCorp
Classification: Benign. Last evaluated: 2023-08-19. Review status: criteria provided, single submitter. Criteria: LabCorp Variant Classification Summary - May 2015. Collection method: clinical testing. Allele origin: germline.

PreventionGenetics, part of Exact Sciences
Classification: Likely benign for ANKRD1-related condition. Last evaluated: 2021-05-04. Review status: no assertion criteria provided. Collection method: clinical testing. Allele origin: germline. Not counted in ClinVar's aggregate classification.
Comment: This variant is classified as likely benign based on ACMG/AMP sequence variant interpretation guidelines (Richards et al. 2015 PMID: 25741868, with internal and published modifications).

NM_014391.3(ANKRD1):c.346-43AT[11]

Gene: ANKRD1 (ankyrin repeat domain 1; minus strand). Cytogenetic location: 10q23.31.
Variant type: Microsatellite.
Coding change: c.346-43AT[11] on transcript NM_014391.3 (MANE Select); 11 copies in a row of the 2-base unit AT starting at c.346-43; the reference has 12 copies in a row; one copy, 2 bases deleted.
Molecular consequence: intron variant.
Genome position (GRCh38, 1-based): chr10:90,918,992-90,918,993, AT deleted on the plus strand (AT on the coding strand, the reverse complement: ANKRD1 is on the minus strand); deleting any 2 consecutive bases within chr10:90,918,992-90,919,016 gives the same sequence; the position shown is the placement nearest the transcript's 3' end. VCF-style (leftmost placement, unchanged base first): chr10-90918991-AAT-A. GRCh37 (hg19) VCF-style: chr10-92678748-AAT-A.
Other names: c.346-21_346-20delAT (NM_014391.2).
Identifiers: ClinVar variation 1616935 (VCV001616935.12), dbSNP rs60406118, ClinGen allele CA5598764.